The following is an entry in ClinVar:

NM_001557.4(CXCR2):c.959A>T (p.Lys320Met)

Gene: CXCR2 (C-X-C motif chemokine receptor 2; plus strand). Cytogenetic location: 2q35.
Variant type: single nucleotide variant.
Coding change: c.959A>T on transcript NM_001557.4 (MANE Select); coding-DNA position 959, A replaced by T.
Protein change: p.Lys320Met; replaces lysine 320 with methionine.
Molecular consequence: missense variant.
Genome position (GRCh38, 1-based): chr2:218,135,760, A>T. VCF-style: chr2-218135760-A-T. GRCh37 (hg19) VCF-style: chr2-219000483-A-T.
Other names: c.959A>T, p.Lys320Met (NM_001168298.2); short protein forms K320M.
Identifiers: ClinVar variation 1375162 (VCV001375162.6), dbSNP rs1231014487, ClinGen allele CA350532584.
Genomic context (GRCh38, chr2:218,135,760, plus strand): 5'-AGATTCTGGGCATCCTTCACAGCTGCCTCAACCCCCTCATCTACGCCTTCATTGGCCAGA[A>T]GTTTCGCCATGGACTCCTCAAGATTCTAGCTATACATGGCTTGATCAGCAAGGACTCCCT-3'
Protein context (NP_001548.1, residues 310-330): NPLIYAFIGQ[Lys320Met]FRHGLLKILA

ClinVar aggregate classification (germline): Uncertain significance (1 of 4 stars; one submission).

Submission:

Labcorp Genetics (formerly Invitae), Labcorp
Classification: Uncertain significance. Last evaluated: 2021-08-15. Review status: criteria provided, single submitter. Criteria: Invitae Variant Classification Sherloc (09022015). Collection method: clinical testing. Allele origin: germline.
Comment: This sequence change replaces lysine with methionine at codon 320 of the CXCR2 protein (p.Lys320Met). The lysine residue is highly conserved and there is a moderate physicochemical difference between lysine and methionine. This variant is not present in population databases (ExAC no frequency). This variant has not been reported in the literature in individuals affected with CXCR2-related conditions. Algorithms developed to predict the effect of missense changes on protein structure and function (SIFT, PolyPhen-2, Align-GVGD) all suggest that this variant is likely to be disruptive. In summary, the available evidence is currently insufficient to determine the role of this variant in disease. Therefore, it has been classified as a Variant of Uncertain Significance.